The following is an entry in ClinVar:

NM_152594.3(SPRED1):c.796A>G (p.Met266Val)

Gene: SPRED1 (sprouty related EVH1 domain containing 1; plus strand). Cytogenetic location: 15q14.
Variant type: single nucleotide variant.
Coding change: c.796A>G on transcript NM_152594.3 (MANE Select); coding-DNA position 796, A replaced by G.
Protein change: p.Met266Val; replaces methionine 266 with valine.
Molecular consequence: missense variant.
Genome position (GRCh38, 1-based): chr15:38,351,125, A>G. VCF-style: chr15-38351125-A-G. GRCh37 (hg19) VCF-style: chr15-38643326-A-G.
Other names: short protein forms M266V.
Identifiers: ClinVar variation 4174048 (VCV004174048.1).

ClinVar aggregate classification (germline): Uncertain significance (1 of 4 stars; one submission).

Conditions:
Cardiovascular phenotype. Identifiers: MedGen CN230736.

gnomAD v4.1: 4 of 1,614,126 alleles (0.00025%); highest among the groups gnomAD compares: South Asian, 0.0044%; no homozygotes.

Submission:

Ambry Genetics
Classification: Uncertain significance for Cardiovascular phenotype. Last evaluated: 2025-08-20. Review status: criteria provided, single submitter. Criteria: Ambry Variant Classification Scheme 2023. Collection method: clinical testing. Allele origin: germline.
Comment: The p.M266V variant (also known as c.796A>G), located in coding exon 7 of the SPRED1 gene, results from an A to G substitution at nucleotide position 796. The methionine at codon 266 is replaced by valine, an amino acid with highly similar properties. This amino acid position is conserved. In addition, this alteration is predicted to be tolerated by in silico analysis. Based on the available evidence, the clinical significance of this variant remains unclear.